The following is an entry in ClinVar:

ClinVar aggregate classification (germline): Uncertain significance (1 of 4 stars; one submission).

Conditions:
Familial cancer of breast. Also called: Hereditary breast cancer; hereditary breast carcinoma; BREAST CANCER, FAMILIAL. Identifiers: Orphanet 227535, MedGen C0346153, MONDO:0016419, OMIM 114480. Disease mechanism: loss of function.
Fanconi anemia complementation group J. Also called: BRIP1-Related Fanconi Anemia. Identifiers: Orphanet 84, MedGen C1836860, MONDO:0012187, OMIM 609054.

Submission:

Labcorp Genetics (formerly Invitae), Labcorp
Classification: Uncertain significance for Familial cancer of breast; Fanconi anemia complementation group J. Last evaluated: 2022-03-08. Review status: criteria provided, single submitter. Criteria: Invitae Variant Classification Sherloc (09022015). Collection method: clinical testing. Allele origin: germline.
Comment: This variant is not present in population databases (gnomAD no frequency). In summary, the available evidence is currently insufficient to determine the role of this variant in disease. Therefore, it has been classified as a Variant of Uncertain Significance. Variants that disrupt the consensus splice site are a relatively common cause of aberrant splicing (PMID: 17576681, 9536098). Algorithms developed to predict the effect of sequence changes on RNA splicing suggest that this variant may disrupt the consensus splice site. ClinVar contains an entry for this variant (Variation ID: 953177). This variant has not been reported in the literature in individuals affected with BRIP1-related conditions. This sequence change falls in intron 2 of the BRIP1 gene. It does not directly change the encoded amino acid sequence of the BRIP1 protein. It affects a nucleotide within the consensus splice site.

Literature cited by the submitters: PubMed 17576681; PubMed 9536098.

NM_032043.3(BRIP1):c.93+6T>C

Gene: BRIP1 (BRCA1 interacting DNA helicase 1; minus strand). Cytogenetic location: 17q23.2.
Variant type: single nucleotide variant.
Coding change: c.93+6T>C on transcript NM_032043.3 (MANE Select); 6 bases into the intron after coding-DNA position 93, T replaced by C.
Molecular consequence: intron variant.
Genome position (GRCh38, 1-based): chr17:61,861,441, A>G on the plus strand (T>C on the coding strand, the complement: BRIP1 is on the minus strand). VCF-style: chr17-61861441-A-G. GRCh37 (hg19) VCF-style: chr17-59938802-A-G.
Identifiers: ClinVar variation 953177 (VCV000953177.10), dbSNP rs2078970954, ClinGen allele CA1139665811.
Genomic context (GRCh38, chr17:61,861,441, plus strand): 5'-CAATGTACTTTATGGGTCATAAGTATCTATATCTTAATAAAAACTTAACTGCTGAAAAAT[A>G]CTTACAGAATTCATCATAGCAAGCTGTGACGGGTAAGCTTTATAAGGAAAGTAAATCTTC-3'